The following is an entry in ClinVar:

NM_024422.6(DSC2):c.415C>T (p.Pro139Ser)

Gene: DSC2 (desmocollin 2; minus strand). Cytogenetic location: 18q12.1.
Variant type: single nucleotide variant.
Coding change: c.415C>T on transcript NM_024422.6 (MANE Select); coding-DNA position 415, C replaced by T.
Protein change: p.Pro139Ser; replaces proline 139 with serine.
Molecular consequence: missense variant. On other transcripts: 5 prime UTR variant (2).
Genome position (GRCh38, 1-based): chr18:31,091,087, G>A on the plus strand (C>T on the coding strand, the complement: DSC2 is on the minus strand). VCF-style: chr18-31091087-G-A. GRCh37 (hg19) VCF-style: chr18-28671050-G-A.
Other names: c.-15C>T (NM_001406506.1, NM_001406507.1); c.415C>T, p.Pro139Ser (NM_004949.5); short protein forms P139S.
Identifiers: ClinVar variation 3386551 (VCV003386551.1).

ClinVar aggregate classification (germline): Uncertain significance (1 of 4 stars; one submission).

Conditions:
Familial isolated arrhythmogenic right ventricular dysplasia. Identifiers: Orphanet 217656, MedGen C4274968, MONDO:0016342.

Submission:

All of Us Research Program, National Institutes of Health
Classification: Uncertain significance for Familial isolated arrhythmogenic right ventricular dysplasia. Last evaluated: 2024-09-23. Review status: criteria provided, single submitter. Criteria: ACMG Guidelines, 2015. Collection method: clinical testing. Allele origin: germline. Inheritance: Autosomal dominant inheritance. Observed: 1 variant allele, 1 heterozygote.
Comment: This study involves interpretation of variants in research participants for the purpose of population health screening. Participant phenotype was not available at the time of variant classification. Additional details can be found in publication PMID: 35346344, PMCID: PMC8962531